The following is an entry in ClinVar:

ClinVar aggregate classification (germline): Uncertain significance. Review status: criteria provided, multiple submitters, no conflicts (2 of 4 stars). 2 submissions from 2 submitters: Uncertain significance (2). Last evaluated 2025-07-25.

Conditions:
Hereditary cancer-predisposing syndrome. Also called: Neoplastic Syndromes, Hereditary; Hereditary neoplastic syndrome; Tumor predisposition; Hereditary Cancer Syndrome. Identifiers: Orphanet 140162, MedGen C0027672, MeSH D009386, MONDO:0015356.

Submissions (2):

Ambry Genetics
Classification: Uncertain significance for Hereditary cancer-predisposing syndrome. Last evaluated: 2025-07-25. Review status: criteria provided, single submitter. Criteria: Ambry Variant Classification Scheme 2023. Collection method: clinical testing. Allele origin: germline.
Comment: The p.L5R variant (also known as c.14T>G), located in coding exon 1 of the FH gene, results from a T to G substitution at nucleotide position 14. The leucine at codon 5 is replaced by arginine, an amino acid with dissimilar properties. This amino acid position is well conserved in available vertebrate species. In addition, the in silico prediction for this alteration is inconclusive. Since supporting evidence is limited at this time, the clinical significance of this alteration remains unclear.

Labcorp Genetics (formerly Invitae), Labcorp
Classification: Uncertain significance. Last evaluated: 2023-11-13. Review status: criteria provided, single submitter. Criteria: Invitae Variant Classification Sherloc (09022015). Collection method: clinical testing. Allele origin: germline.
Comment: This sequence change replaces leucine, which is neutral and non-polar, with arginine, which is basic and polar, at codon 5 of the FH protein (p.Leu5Arg). This variant is not present in population databases (gnomAD no frequency). This variant has not been reported in the literature in individuals affected with FH-related conditions. ClinVar contains an entry for this variant (Variation ID: 2485567). Advanced modeling of protein sequence and biophysical properties (such as structural, functional, and spatial information, amino acid conservation, physicochemical variation, residue mobility, and thermodynamic stability) performed at Invitae indicates that this missense variant is not expected to disrupt FH protein function with a negative predictive value of 95%. In summary, the available evidence is currently insufficient to determine the role of this variant in disease. Therefore, it has been classified as a Variant of Uncertain Significance.

NM_000143.4(FH):c.14T>G (p.Leu5Arg)

Gene: FH (fumarate hydratase; minus strand). Cytogenetic location: 1q43.
Variant type: single nucleotide variant.
Coding change: c.14T>G on transcript NM_000143.4 (MANE Select); coding-DNA position 14, T replaced by G.
Protein change: p.Leu5Arg; replaces leucine 5 with arginine.
Molecular consequence: missense variant.
Genome position (GRCh38, 1-based): chr1:241,519,709, A>C on the plus strand (T>G on the coding strand, the complement: FH is on the minus strand). VCF-style: chr1-241519709-A-C. GRCh37 (hg19) VCF-style: chr1-241683009-A-C.
Other names: short protein forms L5R.
Identifiers: ClinVar variation 2485567 (VCV002485567.6), dbSNP rs200099371, ClinGen allele CA345443084.
Genomic context (GRCh38, chr1:241,519,709, plus strand): 5'-GCCGAAGCTAAGGCTGCGGCTGGAGCCCGCACGAGGGGACGCGAGCGCGCGAGGAGCCGA[A>C]GTGCTCGGTACATGGTGCTGAGGGAGCTTGGGTAGAATTTCTGGGCGGCTGTGGCCACGC-3'
Protein context (NP_000134.2, residues 1-15): MYRA[Leu5Arg]RLLARSRPLV